The following is an entry in ClinVar:

NM_007294.4(BRCA1):c.5532C>T (p.Leu1844=)

Gene: BRCA1 (BRCA1 DNA repair associated; minus strand). Cytogenetic location: 17q21.31.
Variant type: single nucleotide variant.
Coding change: c.5532C>T on transcript NM_007294.4 (MANE Select); coding-DNA position 5532, C replaced by T.
Protein change: p.Leu1844=; no amino-acid change (leucine 1844 retained).
Molecular consequence: synonymous variant. On other transcripts: 3 prime UTR variant (17).
Genome position (GRCh38, 1-based): chr17:43,045,738, G>A on the plus strand (C>T on the coding strand, the complement: BRCA1 is on the minus strand). VCF-style: chr17-43045738-G-A. GRCh37 (hg19) VCF-style: chr17-41197755-G-A.
Other names: 5651C/T; c.2217C>T, p.Leu739= (NM_001408396.1, NM_001408397.1, NM_001408398.1 and 7 more transcripts); c.2214C>T, p.Leu738= (NM_001408406.1, NM_001408407.1, NM_001408408.1); c.2211C>T, p.Leu737= (NM_001408409.1); c.2148C>T, p.Leu716= (NM_001408410.1); c.2145C>T, p.Leu715= (NM_001408411.1); c.2142C>T, p.Leu714= (NM_001408412.1, NM_001408413.1, NM_001408414.1 and 2 more transcripts); c.2106C>T, p.Leu702= (NM_001408418.1, NM_001408419.1, NM_001408420.1); and 75 more.
Identifiers: ClinVar variation 55616 (VCV000055616.8), dbSNP rs80356829, ClinGen allele CA003702.
Genomic context (GRCh38, chr17:43,045,738, plus strand): 5'-TCAGTAGTGGCTGTGGGGGATCTGGGGTATCAGGTAGGTGTCCAGCTCCTGGCACTGGTA[G>A]AGTGCTACACTGTCCAACACCCACTCTCGGGTCACCACAGGTGCCTCACACATCTGCCCA-3'
Protein context (NP_009225.1, residues 1834-1854): TREWVLDSVA[Leu1844=]YQCQELDTYL

ClinVar aggregate classification (germline): Likely benign. Review status: reviewed by expert panel (3 of 4 stars). 3 submissions from 3 submitters: Likely benign (1). 2 of the submissions do not count toward it. Last evaluated 2017-06-29.

Conditions:
Hereditary cancer-predisposing syndrome. Also called: Hereditary Cancer Syndrome; Hereditary neoplastic syndrome; Neoplastic Syndromes, Hereditary; Tumor predisposition. Identifiers: Orphanet 140162, MedGen C0027672, MeSH D009386, MONDO:0015356.
Breast-ovarian cancer, familial, susceptibility to, 1 (BROVCA1). Also called: BRCA1 Hereditary Breast and Ovarian Cancer; OVARIAN CANCER, SUSCEPTIBILITY TO. Identifiers: Orphanet 145, MedGen C2676676, MONDO:0011450, OMIM 604370. Disease mechanism: loss of function.

Submissions (4):

Evidence-based Network for the Interpretation of Germline Mutant Alleles (ENIGMA)
Classification: Likely benign for Breast-ovarian cancer, familial, susceptibility to, 1. Last evaluated: 2017-06-29. Review status: reviewed by expert panel. Criteria: ENIGMA BRCA1/2 Classification Criteria (2017-06-29). Collection method: curation. Allele origin: germline.
Comment: Synonymous substitution variant, with low bioinformatic likelihood to result in a splicing aberration (Splicing prior probability 0.02).

Color Diagnostics, LLC DBA Color Health
Classification: Likely benign for Hereditary cancer-predisposing syndrome. Last evaluated: 2019-02-06. Review status: criteria provided, single submitter. Criteria: ACMG Guidelines, 2015. Collection method: clinical testing. Allele origin: germline. Not counted in ClinVar's aggregate classification.

Breast Cancer Information Core (BIC) (BRCA1)
Classification: Uncertain significance for Breast-ovarian cancer, familial 1. Last evaluated: 2000-01-01. Review status: no assertion criteria provided. Collection method: clinical testing. Allele origin: germline. Affected: yes. Observed: 1 variant allele. Not counted in ClinVar's aggregate classification.

Brotman Baty Institute, University of Washington
No classification provided (evidence only). Condition: Breast-ovarian cancer, familial 1. Review status: no classification provided. Collection method: in vitro. Allele origin: not applicable. Functional consequence: functionally_normal. Not counted in ClinVar's aggregate classification.
ClinVar note: "not provided" was previously submitted as the classification for the variant. However, the classification appeared to be based only on an observation of functional data so it was converted to no classification on 2025-07-30.